The following is an entry in ClinVar:

NM_000448.3(RAG1):c.2487_2488delinsTT (p.Arg829_Lys830delinsSerTer)

Gene: RAG1 (recombination activating 1; plus strand). Cytogenetic location: 11p12.
Variant type: Indel.
Coding change: c.2487_2488delinsTT on transcript NM_000448.3 (MANE Select); coding-DNA positions 2487 to 2488, GA replaced by TT.
Protein change: p.Arg829_Lys830delinsSerTer.
Molecular consequence: nonsense.
Genome position (GRCh38, 1-based): chr11:36,575,791-36,575,792, GA replaced by TT. VCF-style: chr11-36575791-GA-TT. GRCh37 (hg19) VCF-style: chr11-36597341-GA-TT.
Other names: NM_000448.3(RAG1):c.2487_2488delinsTT; p.Arg829_Lys830delinsSerTer; c.2487_2488delinsTT, p.Arg829_Lys830delinsSerTer (NM_001377280.1, NM_001377277.1, NM_001377278.1 and 1 more transcripts).
Identifiers: ClinVar variation 1034220 (VCV001034220.42), dbSNP rs1850837839, ClinGen allele CA1139532300.

ClinVar aggregate classification (germline): Pathogenic. Review status: reviewed by expert panel (3 of 4 stars). 6 submissions from 6 submitters: Pathogenic (1). 5 of the submissions do not count toward it. Last evaluated 2023-10-10.

Conditions:
Combined immunodeficiency due to partial RAG1 deficiency. Identifiers: Orphanet 231154, MedGen C1835931, MONDO:0012359, OMIM 609889.
Recombinase activating gene 1 deficiency. Identifiers: MedGen CN375631, MONDO:0000572.
Severe combined immunodeficiency, autosomal recessive, T cell-negative, B cell-negative, NK cell-positive. Also called: Severe combined immunodeficiency due to complete RAG1/2 deficiency; SCID, AR, T-cell negative, B-cell negative, NK cell-positive; SCID, T CELL-NEGATIVE, B CELL-NEGATIVE, NK CELL-POSITIVE. Identifiers: Orphanet 331206, MedGen C1832322, MONDO:0011086, OMIM 601457.
Combined immunodeficiency with skin granulomas. Identifiers: Orphanet 157949, MedGen C2673536, MONDO:0009306, OMIM 233650.
Histiocytic medullary reticulosis. Also called: Omenn syndrome; SEVERE COMBINED IMMUNODEFICIENCY WITH HYPEREOSINOPHILIA. Identifiers: Orphanet 39041, MedGen C2700553, MONDO:0011338, OMIM 603554.

Submissions (6):

ClinGen Severe Combined Immunodeficiency Variant Curation Expert Panel, ClinGen
Classification: Pathogenic for Recombinase activating gene 1 deficiency. Last evaluated: 2023-10-10. Review status: reviewed by expert panel. Criteria: ClinGen SCID ACMG Specifications RAG1 V1.0.0. Collection method: curation. Allele origin: germline. Inheritance: Autosomal recessive inheritance.
Comment: The NM_000448.3:c.2487_2488delinsTT (p.Arg829_Lys830delinsSerTer) variant in RAG1 is a nonsense variant that is not expected to result in nonsense-mediated mRNA decay but is predicted to cause a premature stop codon that leads to the truncation of part of the core region (aa 387-1011) critical to protein function (PVS1; PMID 26996199). This variant is absent from gnomAD v2.1.1. (PM2_Supporting). This variant has been detected in four individuals with SCID. Of those individuals, one individual was homozygous for the variant (0.5pt, PMID 25869295, 30307608). One individual was compound heterozygous (p.K621E, VUS by the SCID VCEP, in trans) (0pt, PMID 30307608). One individual was with this variant and a variant Pathogenic according to the SCID VCEP (p.K86VfsX33), but the phase was not confirmed (0.5pt, PMID 32311393). One individual was reported in a ClinVar entry, but the information on the other allele is not available (0pt, Baylor Genetics, SCV001530390.1). TOTAL: 1.0pt, PM3. PMID 25869295: Patient #4 with this variant was diagnosed with SCID (0.5pt) and displayed a T-B-NK+ profile (0.5pt). Total: 1.0 pt, PP4 is met. In summary, this variant meets the criteria to be classified as Pathogenic for SCID. ACMG/AMP criteria applied, as specified by the ClinGen SCID-VCEP: PVS1, PM2_Supporting, PM3, and PP4. (SCID VCEP specifications version 1.0).

Labcorp Genetics (formerly Invitae), Labcorp
Classification: Pathogenic for Combined immunodeficiency with skin granulomas; Severe combined immunodeficiency, autosomal recessive, T cell-negative, B cell-negative, NK cell-positive. Last evaluated: 2025-01-18. Review status: criteria provided, single submitter. Criteria: Invitae Variant Classification Sherloc (09022015). Collection method: clinical testing. Allele origin: germline. Not counted in ClinVar's aggregate classification.
Comment: This sequence change creates a premature translational stop signal (p.Arg829_Lys830delinsSer*) in the RAG1 gene. While this is not anticipated to result in nonsense mediated decay, it is expected to disrupt the last 215 amino acid(s) of the RAG1 protein. Information on the frequency of this variant in the gnomAD database is not available, as this variant may be reported differently in the database. This premature translational stop signal has been observed in individual(s) with Omenn syndrome and/or severe combined immunodeficiency (PMID: 30307608, 32655540). ClinVar contains an entry for this variant (Variation ID: 1034220). For these reasons, this variant has been classified as Pathogenic.

Fulgent Genetics
Classification: Pathogenic for Combined immunodeficiency with skin granulomas; Severe combined immunodeficiency, autosomal recessive, T cell-negative, B cell-negative, NK cell-positive; Histiocytic medullary reticulosis; Combined immunodeficiency due to partial RAG1 deficiency. Last evaluated: 2024-05-29. Review status: criteria provided, single submitter. Criteria: ACMG Guidelines, 2015. Collection method: clinical testing. Allele origin: germline. Not counted in ClinVar's aggregate classification.

Baylor Genetics
Classification: Pathogenic for Combined immunodeficiency due to partial RAG1 deficiency. Last evaluated: 2024-03-08. Review status: criteria provided, single submitter. Criteria: ACMG Guidelines, 2015. Collection method: clinical testing. Allele origin: unknown. Not counted in ClinVar's aggregate classification.

Mayo Clinic Laboratories, Mayo Clinic
Classification: Pathogenic. Last evaluated: 2019-12-10. Review status: criteria provided, single submitter. Criteria: ACMG Guidelines, 2015. Collection method: clinical testing. Allele origin: germline. Observed: 1 variant allele. Not counted in ClinVar's aggregate classification.
Comment: PVS1_Strong, PS4_Moderate, PS3_Moderate, PM2, PM3_Strong,

CeGaT Center for Human Genetics Tuebingen
Classification: Pathogenic. Last evaluated: 2019-06-01. Review status: criteria provided, single submitter. Criteria: CeGaT Center For Human Genetics Tuebingen Variant Classification Criteria Version 2. Collection method: clinical testing. Allele origin: germline. Affected: yes. Observed: 1 variant allele. Not counted in ClinVar's aggregate classification.

Literature cited by the submitters: PubMed 30307608 (cited by Labcorp Genetics (formerly Invitae), Labcorp and Mayo Clinic Laboratories, Mayo Clinic); PubMed 32655540 (cited by Labcorp Genetics (formerly Invitae), Labcorp); PubMed 25869295 (cited by Mayo Clinic Laboratories, Mayo Clinic).